The following is an entry in ClinVar:

ClinVar aggregate classification (germline): Uncertain significance (1 of 4 stars; one submission).

Submission:

Dasa
Classification: Uncertain significance. Last evaluated: 2026-01-09. Review status: criteria provided, single submitter. Criteria: DASA Assertion Criteria. Collection method: clinical testing. Allele origin: germline.
Comment: NM_003070.5(SMARCA2):c.3032A>G (p.Gln1011Arg) is a missense variant that results in the substitution of glutamine with arginine. This variant is rare in population databases. Computational prediction algorithms are consistent with a deleterious effect. The currently available literature and clinical evidence are not sufficient to establish a definitive association between this variant and the reported condition. Therefore, this variant is classified as a variant of uncertain significance.

NM_003070.5(SMARCA2):c.3032A>G (p.Gln1011Arg)

Gene: SMARCA2 (SWI/SNF related BAF chromatin remodeling complex subunit ATPase 2; plus strand). Cytogenetic location: 9p24.3.
Variant type: single nucleotide variant.
Coding change: c.3032A>G on transcript NM_003070.5 (MANE Select); coding-DNA position 3032, A replaced by G.
Protein change: p.Gln1011Arg; replaces glutamine 1011 with arginine.
Molecular consequence: missense variant.
Genome position (GRCh38, 1-based): chr9:2,097,425, A>G. VCF-style: chr9-2097425-A-G. GRCh37 (hg19) VCF-style: chr9-2097425-A-G.
Other names: c.2858A>G, p.Gln953Arg (NM_001289397.2); c.3032A>G, p.Gln1011Arg (NM_139045.4, NM_001289396.2); short protein forms Q1011R, Q953R.
Identifiers: ClinVar variation 4885095 (VCV004885095.2).